The following is an entry in ClinVar:

NM_001267550.2(TTN):c.2061A>G (p.Gln687=)

Gene: TTN (titin; minus strand). Cytogenetic location: 2q31.2.
Variant type: single nucleotide variant.
Coding change: c.2061A>G on transcript NM_001267550.2 (MANE Select); coding-DNA position 2061, A replaced by G.
Protein change: p.Gln687=; no amino-acid change (glutamine 687 retained).
Molecular consequence: synonymous variant.
Genome position (GRCh38, 1-based): chr2:178,789,375, T>C on the plus strand (A>G on the coding strand, the complement: TTN is on the minus strand). VCF-style: chr2-178789375-T-C. GRCh37 (hg19) VCF-style: chr2-179654102-T-C.
Other names: c.1923A>G, p.Gln641= (NM_003319.4, NM_133432.3, NM_133437.4); c.2061A>G, p.Gln687= (NM_133378.4, NM_133379.5, NM_001256850.1).
Identifiers: ClinVar variation 535066 (VCV000535066.13), dbSNP rs188680791, ClinGen allele CA2005916.

ClinVar aggregate classification (germline): Conflicting classifications of pathogenicity. Review status: criteria provided, conflicting classifications (1 of 4 stars). 8 submissions from 8 submitters: Uncertain significance (1); Benign (1); Likely benign (3). 3 of the submissions do not count toward it. Last evaluated 2025-06-13.

Conditions:
Cardiovascular phenotype. Identifiers: MedGen CN230736.
TTN-related disorder. Also called: TTN-related condition; TTN-related disease; TTN-related disorders.
Dilated cardiomyopathy 1G (CMD1G). Identifiers: Orphanet 154, MedGen C1858763, MONDO:0011400, OMIM 604145.
Autosomal recessive limb-girdle muscular dystrophy type 2J (LGMDR10). Also called: MUSCULAR DYSTROPHY, LIMB-GIRDLE, AUTOSOMAL RECESSIVE 10; Limb-girdle muscular dystrophy, type 2J. Identifiers: Orphanet 140922, MedGen C1837342, MONDO:0012127, OMIM 608807.

Allele frequency attached by ClinVar (database versions not stated): TOPMed 0.00003; gnomAD exomes 0.00004 and 0.00006; ExAC 0.00005; ESP Exome Variant Server 0.00008; gnomAD 0.00009; 1000 Genomes Project 0.00020; 1000 Genomes Project 30x 0.00031.
gnomAD v4.1: 73 of 1,613,416 alleles (0.0045%); highest among the groups gnomAD compares: Admixed American, 0.01%; no homozygotes.

Submissions (8):

PreventionGenetics, part of Exact Sciences
Classification: Likely benign for TTN-related condition. Last evaluated: 2025-06-13. Review status: criteria provided, single submitter. Criteria: ACMG Guidelines, 2015. Collection method: clinical testing. Allele origin: germline.
Comment: This variant is classified as likely benign based on ACMG/AMP sequence variant interpretation guidelines (Richards et al. 2015 PMID: 25741868, with internal and published modifications).

Blueprint Genetics
Classification: Likely benign. Last evaluated: 2022-09-15. Review status: criteria provided, single submitter. Criteria: ACMG Guidelines, 2015. Collection method: clinical testing. Allele origin: germline.

Ambry Genetics
Classification: Benign for Cardiovascular phenotype. Last evaluated: 2020-07-14. Review status: criteria provided, single submitter. Criteria: Ambry Variant Classification Scheme 2023. Collection method: clinical testing. Allele origin: germline.

GeneDx
Classification: Likely benign. Last evaluated: 2020-05-18. Review status: criteria provided, single submitter. Criteria: GeneDx Variant Classification Process June 2021. Collection method: clinical testing. Allele origin: germline. Affected: yes.

Labcorp Genetics (formerly Invitae), Labcorp
Classification: Uncertain significance for Dilated cardiomyopathy 1G; Autosomal recessive limb-girdle muscular dystrophy type 2J. Last evaluated: 2017-11-18. Review status: criteria provided, single submitter. Criteria: Invitae Variant Classification Sherloc (09022015). Collection method: clinical testing. Allele origin: germline.

Clinical Genetics, Academic Medical Center
Classification: Likely benign. Review status: no assertion criteria provided. Collection method: clinical testing. Allele origin: germline. Affected: yes. Study: VKGL Data-share Consensus. Not counted in ClinVar's aggregate classification.

Genome Diagnostics Laboratory, University Medical Center Utrecht
Classification: Likely benign. Review status: no assertion criteria provided. Collection method: clinical testing. Allele origin: germline. Affected: yes. Study: VKGL Data-share Consensus. Not counted in ClinVar's aggregate classification.

Joint Genome Diagnostic Labs from Nijmegen and Maastricht, Radboudumc and MUMC+
Classification: Likely benign. Review status: no assertion criteria provided. Collection method: clinical testing. Allele origin: germline. Affected: yes. Study: VKGL Data-share Consensus. Not counted in ClinVar's aggregate classification.